The following is an entry in ClinVar:

NM_014855.3(AP5Z1):c.928C>T (p.Arg310Ter)

Gene: AP5Z1 (adaptor related protein complex 5 subunit zeta 1; plus strand). Cytogenetic location: 7p22.1.
Variant type: single nucleotide variant.
Coding change: c.928C>T on transcript NM_014855.3 (MANE Select); coding-DNA position 928, C replaced by T.
Protein change: p.Arg310Ter; replaces arginine 310 with a stop codon.
Molecular consequence: nonsense. On other transcripts: non-coding transcript variant (1).
Genome position (GRCh38, 1-based): chr7:4,785,045, C>T. VCF-style: chr7-4785045-C-T. GRCh37 (hg19) VCF-style: chr7-4824676-C-T.
Other names: NP_055670.1:p.(Arg310Ter); c.928C>T (NM_014855.2); c.460C>T, p.Arg154Ter (NM_001364858.1); short protein forms R154*, R310*.
Identifiers: ClinVar variation 810060 (VCV000810060.53), dbSNP rs748724870, ClinGen allele CA4137453.

ClinVar aggregate classification (germline): Pathogenic/Likely pathogenic. Review status: criteria provided, multiple submitters, no conflicts (2 of 4 stars). 7 submissions from 7 submitters: Pathogenic (3); Likely pathogenic (4). Last evaluated 2026-03-26.

Conditions:
Hereditary spastic paraplegia 48. Also called: SPASTIC PARAPLEGIA 48, AUTOSOMAL RECESSIVE; Spastic paraplegia 48. Identifiers: Orphanet 306511, MedGen C3150901, MONDO:0013342, OMIM 613647.
Macular dystrophy with or without extraocular features.
Retinal disorder. Also called: Retinal disorders; Retinopathies; Retinal Diseases; Retinopathy. Identifiers: MedGen C0035309, MONDO:0005283, HP:0000488.
AP5Z1-related disorder. Also called: AP5Z1-related condition.

Allele frequency attached by ClinVar (database versions not stated): ExAC 0.00003; gnomAD exomes 0.00003; gnomAD 0.00006; TOPMed 0.00007.
gnomAD v4.1: 220 of 1,596,180 alleles (0.014%); highest among the groups gnomAD compares: Non-Finnish European, 0.016%; 1 homozygote.

Submissions (7):

PreventionGenetics, part of Exact Sciences
Classification: Likely pathogenic for AP5Z1-related condition. Last evaluated: 2026-03-26. Review status: criteria provided, single submitter. Criteria: ACMG Guidelines, 2015. Collection method: clinical testing. Allele origin: germline.
Comment: The AP5Z1 c.928C>T variant is predicted to result in premature protein termination (p.Arg310*). This variant was reported in the compound heterozygous and homozygous states in individuals with central vision loss but otherwise had no neurological symptoms at the time of the study (Kaminska et al. 2025. PubMed ID: 40081374). This variant is reported in 0.0083% of alleles in individuals of African descent in gnomAD. Nonsense variants in AP5Z1 are expected to be pathogenic. This variant is interpreted as likely pathogenic.

Labcorp Genetics (formerly Invitae), Labcorp
Classification: Pathogenic for Hereditary spastic paraplegia 48. Last evaluated: 2025-06-20. Review status: criteria provided, single submitter. Criteria: Invitae Variant Classification Sherloc (09022015). Collection method: clinical testing. Allele origin: germline.
Comment: This sequence change creates a premature translational stop signal (p.Arg310*) in the AP5Z1 gene. It is expected to result in an absent or disrupted protein product. Loss-of-function variants in AP5Z1 are known to be pathogenic (PMID: 20613862, 27606357). This variant is present in population databases (rs748724870, gnomAD 0.008%). This variant has not been reported in the literature in individuals affected with AP5Z1-related conditions. ClinVar contains an entry for this variant (Variation ID: 810060). For these reasons, this variant has been classified as Pathogenic.

GeneDx
Classification: Likely pathogenic. Last evaluated: 2025-05-23. Review status: criteria provided, single submitter. Criteria: GeneDx Variant Classification Process June 2021. Collection method: clinical testing. Allele origin: germline. Affected: yes.
Comment: Nonsense variant predicted to result in protein truncation or nonsense mediated decay in a gene for which loss of function is a known mechanism of disease; Not observed at significant frequency in large population cohorts (gnomAD); This variant is associated with the following publications: (PMID: 40081374)

Ophthalmic Genetics Group, Institute of Molecular and Clinical Ophthalmology Basel
Classification: Likely pathogenic for Macular dystrophy with or without extraocular features. Last evaluated: 2024-12-17. Review status: criteria provided, single submitter. Criteria: ACMG Guidelines, 2015. Collection method: research. Allele origin: germline. Affected: yes. Observed: 4 variant alleles.
Comment: This stopgain change is introducing a premature termination codon at amino acid position 310, and likely results in a nonsense-mediated mRNA decay. This variant has a low population frequency based on gnomAD v2.1.1. and was previously observed in individuals with complicated spastic paraplegia (reported in ClinVar). It was identified in 4 affected individuals with macular dystrophy, with variable extra-ocular features. This variant was classified as Likely pathogenic based on ACMG criteria: PVS1_vstrong, PM2_mod.

North West Genomic Laboratory Hub, Manchester University NHS Foundation Trust
Classification: Pathogenic for Retinal disorders. Last evaluated: 2024-03-26. Review status: criteria provided, single submitter. Criteria: ACGS Best Practice Guidelines for Variant Classification in Rare Disease 2020. Collection method: clinical testing. Allele origin: germline. Affected: yes.
Comment: PM3_Str PVS1_VStr PM2_Mod

Genetics and Genomic Medicine Centre, NeuroGen Healthcare, NeuroGen Healthcare
Classification: Pathogenic for Hereditary spastic paraplegia 48. Last evaluated: 2021-01-09. Review status: criteria provided, single submitter. Criteria: Submitter's publication. Collection method: clinical testing. Allele origin: unknown. Affected: no.

CeGaT Center for Human Genetics Tuebingen
Classification: Likely pathogenic. Last evaluated: 2019-02-01. Review status: criteria provided, single submitter. Criteria: CeGaT Center For Human Genetics Tuebingen Variant Classification Criteria Version 2. Collection method: clinical testing. Allele origin: germline. Affected: yes. Observed: 1 variant allele.

Literature cited by the submitters: PubMed 20613862 (cited by Labcorp Genetics (formerly Invitae), Labcorp); PubMed 27606357 (cited by Labcorp Genetics (formerly Invitae), Labcorp); PubMed 40081374 (cited by Ophthalmic Genetics Group, Institute of Molecular and Clinical Ophthalmology Basel).